The following is an entry in ClinVar:

ClinVar aggregate classification (germline): Uncertain significance. Review status: criteria provided, multiple submitters, no conflicts (2 of 4 stars). 2 submissions from 2 submitters: Uncertain significance (2). Last evaluated 2018-11-21.

Conditions:
Ataxia-telangiectasia syndrome (AT). Also called: Ataxia-telangiectasia, complementation group D; AT, COMPLEMENTATION GROUP C; Ataxia telangiectasia (A-T); Cerebello-oculocutaneous telangiectasia; Immunodeficiency with ataxia telangiectasia; ATAXIA-TELANGIECTASIA, COMPLEMENTATION GROUP A. Identifiers: Orphanet 100, MedGen C0004135, MONDO:0008840, OMIM 208900.
Hereditary cancer-predisposing syndrome. Also called: Neoplastic Syndromes, Hereditary; Hereditary neoplastic syndrome; Tumor predisposition; Hereditary Cancer Syndrome. Identifiers: Orphanet 140162, MedGen C0027672, MeSH D009386, MONDO:0015356.

Submissions (2):

Labcorp Genetics (formerly Invitae), Labcorp
Classification: Uncertain significance for Ataxia-telangiectasia syndrome. Last evaluated: 2018-11-21. Review status: criteria provided, single submitter. Criteria: Invitae Variant Classification Sherloc (09022015). Collection method: clinical testing. Allele origin: germline.
Comment: In summary, the available evidence is currently insufficient to determine the role of this variant in disease. Therefore, it has been classified as a Variant of Uncertain Significance. Algorithms developed to predict the effect of sequence changes on RNA splicing suggest that this variant may create or strengthen a splice site, but this prediction has not been confirmed by published transcriptional studies. Algorithms developed to predict the effect of missense changes on protein structure and function (SIFT, PolyPhen-2, Align-GVGD) all suggest that this variant is likely to be disruptive, but these predictions have not been confirmed by published functional studies and their clinical significance is uncertain. This variant has not been reported in the literature in individuals with ATM-related disease. This variant is not present in population databases (ExAC no frequency). This sequence change replaces leucine with valine at codon 115 of the ATM protein (p.Leu115Val). The leucine residue is highly conserved and there is a small physicochemical difference between leucine and valine.

Ambry Genetics
Classification: Uncertain significance for Hereditary cancer-predisposing syndrome. Last evaluated: 2017-09-29. Review status: criteria provided, single submitter. Criteria: Ambry Variant Classification Scheme 2023. Collection method: clinical testing. Allele origin: germline.
Comment: The p.L115V variant (also known as c.343C>G), located in coding exon 4 of the ATM gene, results from a C to G substitution at nucleotide position 343. The leucine at codon 115 is replaced by valine, an amino acid with highly similar properties. This amino acid position is highly conserved in available vertebrate species. In addition, the in silico prediction for this alteration is inconclusive. Since supporting evidence is limited at this time, the clinical significance of this alteration remains unclear.

NM_000051.4(ATM):c.343C>G (p.Leu115Val)

Gene: ATM (ATM serine/threonine kinase; plus strand). Cytogenetic location: 11q22.3.
Variant type: single nucleotide variant.
Coding change: c.343C>G on transcript NM_000051.4 (MANE Select); coding-DNA position 343, C replaced by G.
Protein change: p.Leu115Val; replaces leucine 115 with valine.
Molecular consequence: missense variant.
Genome position (GRCh38, 1-based): chr11:108,235,681, C>G. VCF-style: chr11-108235681-C-G. GRCh37 (hg19) VCF-style: chr11-108106408-C-G.
Other names: c.343C>G, p.Leu115Val (NM_001351834.2); short protein forms L115V.
Identifiers: ClinVar variation 661682 (VCV000661682.11), dbSNP rs1555059048, ClinGen allele CA382524505.
Genomic context (GRCh38, chr11:108,235,681, plus strand): 5'-TATTTTTGTTCAAATTTATGTTTTTCTTTATTTGTTTATTTTGAAATAGGAGCACCTAGG[C>G]TAAAATGTCAAGAACTCTTAAATTATATCATGGATACAGTGAAAGATTCATCTAATGGTG-3'
Protein context (NP_000042.3, residues 105-125): IKCANRRAPR[Leu115Val]KCQELLNYIM